The following is an entry in ClinVar:

ClinVar aggregate classification (germline): Uncertain significance (1 of 4 stars; one submission).

Conditions:
Arrhythmogenic right ventricular dysplasia 8 (ARVD8). Also called: Arrhythmogenic Right Ventricular Dysplasia/Cardiomyopathy 8; ARRHYTHMOGENIC RIGHT VENTRICULAR DYSPLASIA, FAMILIAL, 8; ARRHYTHMOGENIC RIGHT VENTRICULAR CARDIOMYOPATHY 8. Identifiers: MedGen C1843896, MONDO:0011831, OMIM 607450.
Arrhythmogenic cardiomyopathy with wooly hair and keratoderma. Also called: Arrhythmogenic cardiomyopathy with woolly hair and keratoderma; PALMOPLANTAR KERATODERMA WITH LEFT VENTRICULAR CARDIOMYOPATHY AND WOOLLY HAIR; Carvajal syndrome; Dilated cardiomyopathy with woolly hair and keratoderma. Identifiers: Orphanet 65282, MedGen C1854063, MONDO:0011581, OMIM 605676.

Submission:

Labcorp Genetics (formerly Invitae), Labcorp
Classification: Uncertain significance for Arrhythmogenic cardiomyopathy with wooly hair and keratoderma; Arrhythmogenic right ventricular dysplasia 8. Last evaluated: 2021-08-27. Review status: criteria provided, single submitter. Criteria: Invitae Variant Classification Sherloc (09022015). Collection method: clinical testing. Allele origin: germline.
Comment: This sequence change replaces methionine with threonine at codon 1299 of the DSP protein (p.Met1299Thr). The methionine residue is weakly conserved and there is a moderate physicochemical difference between methionine and threonine. This variant is not present in population databases (ExAC no frequency). This variant has not been reported in the literature in individuals affected with DSP-related conditions. Algorithms developed to predict the effect of missense changes on protein structure and function output the following: SIFT: "Deleterious"; PolyPhen-2: "Benign"; Align-GVGD: "Class C55". The threonine amino acid residue is found in multiple mammalian species, which suggests that this missense change does not adversely affect protein function. In summary, the available evidence is currently insufficient to determine the role of this variant in disease. Therefore, it has been classified as a Variant of Uncertain Significance.

NM_004415.4(DSP):c.3896T>C (p.Met1299Thr)

Gene: DSP (desmoplakin; plus strand). Cytogenetic location: 6p24.3.
Variant type: single nucleotide variant.
Coding change: c.3896T>C on transcript NM_004415.4 (MANE Select); coding-DNA position 3896, T replaced by C.
Protein change: p.Met1299Thr; replaces methionine 1299 with threonine.
Molecular consequence: missense variant. On other transcripts: intron variant (1).
Genome position (GRCh38, 1-based): chr6:7,580,086, T>C. VCF-style: chr6-7580086-T-C. GRCh37 (hg19) VCF-style: chr6-7580319-T-C.
Other names: c.3896T>C, p.Met1299Thr (NM_001319034.2); c.3582+314T>C (NM_001008844.3); short protein forms M1299T.
Identifiers: ClinVar variation 837948 (VCV000837948.7), dbSNP rs1432542467, ClinGen allele CA362685092.
Genomic context (GRCh38, chr6:7,580,086, plus strand): 5'-CCTGTGGCTCTGAGATAATGCAGAAGAAGCAGCATCTGGAGATAGAACTGAAGCAGGTCA[T>C]GCAGCAGCGCTCTGAGGACAATGCCCGGCACAAGCAGTCCCTGGAGGAGGCTGCCAAGAC-3'
Protein context (NP_004406.2, residues 1289-1309): QHLEIELKQV[Met1299Thr]QQRSEDNARH